The following is an entry in ClinVar:

ClinVar aggregate classification (germline): Likely pathogenic (1 of 4 stars; one submission).

Submission:

Mayo Clinic Laboratories, Mayo Clinic
Classification: Likely pathogenic. Last evaluated: 2019-12-23. Review status: criteria provided, single submitter. Criteria: ACMG Guidelines, 2015. Collection method: clinical testing. Allele origin: germline. Observed: 1 variant allele.
Comment: PVS1, PM2

NM_021830.5(TWNK):c.68del (p.Gly23fs)

Gene: TWNK (twinkle mtDNA helicase; plus strand). Cytogenetic location: 10q24.31.
Variant type: Deletion.
Coding change: c.68del on transcript NM_021830.5 (MANE Select); coding-DNA position 68, one base deleted (G; older notation c.68delG).
Protein change: p.Gly23fs; shifts the reading frame from glycine 23.
Molecular consequence: frameshift variant. On other transcripts: non-coding transcript variant (4), intron variant (3).
Genome position (GRCh38, 1-based): chr10:100,988,278, G deleted; the last of 3 consecutive G bases (chr10:100,988,276-100,988,278); deleting any one gives the same sequence. VCF-style (leftmost placement, unchanged base first): chr10-100988275-TG-T. GRCh37 (hg19) VCF-style: chr10-102748032-TG-T.
Other names: c.68del, p.Gly23fs (NM_001163812.2); c.-120+665del (NM_001163814.2, NM_001163813.2); c.-58+665del (NM_001368275.1); short protein forms G23fs.
Identifiers: ClinVar variation 1163331 (VCV001163331.5), dbSNP rs2133934281, ClinGen allele CA2499220116.
Genomic context (GRCh38, chr10:100,988,275, plus strand): 5'-GGGTCCTCCTCCGAAGTGGGTACCCCCTCCGTATCTTGTTACCCCTGCGTGGGGAGTGGA[TG>T]GGTCGGAGGGGCCTGCCCCGAAACTTGGCCCCAGGCCCTCCTCGCAGACGTTACAGGAAG-3'